The following is an entry in ClinVar:

NM_005121.3(MED13):c.396G>A (p.Met132Ile)

Gene: MED13 (mediator complex subunit 13; minus strand). Cytogenetic location: 17q23.2.
Variant type: single nucleotide variant.
Coding change: c.396G>A on transcript NM_005121.3 (MANE Select); coding-DNA position 396, G replaced by A.
Protein change: p.Met132Ile; replaces methionine 132 with isoleucine.
Molecular consequence: missense variant.
Genome position (GRCh38, 1-based): chr17:62,052,611, C>T on the plus strand (G>A on the coding strand, the complement: MED13 is on the minus strand). VCF-style: chr17-62052611-C-T. GRCh37 (hg19) VCF-style: chr17-60129972-C-T.
Other names: short protein forms M132I.
Identifiers: ClinVar variation 3124912 (VCV003124912.2), dbSNP rs747917110, ClinGen allele CA8693320.

ClinVar aggregate classification (germline): Uncertain significance (1 of 4 stars; one submission).

Conditions:
Inborn genetic diseases. Identifiers: MedGen C0950123, MeSH D030342.

Allele frequency attached by ClinVar (database versions not stated): gnomAD exomes below 0.00001; ExAC 0.00001.

Submission:

Ambry Genetics
Classification: Uncertain significance for Inborn genetic diseases. Last evaluated: 2026-04-01. Review status: criteria provided, single submitter. Criteria: Ambry Variant Classification Scheme 2023. Collection method: clinical testing. Allele origin: germline.
Comment: The c.396G>A (p.M132I) alteration is located in exon 3 (coding exon 3) of the MED13 gene. This alteration results from a G to A substitution at nucleotide position 396, causing the methionine (M) at amino acid position 132 to be replaced by an isoleucine (I). Based on data from gnomAD, the A allele has an overall frequency of <0.001% (1/246394) total alleles studied. The highest observed frequency was 0.003% (1/29862) of South Asian alleles. Based on insufficient or conflicting evidence, the clinical significance of this alteration remains unclear.